The following is an entry in ClinVar:

NM_002471.4(MYH6):c.642+4C>T

Genes: MYH6 (myosin heavy chain 6; minus strand), LOC114827851 (VISTA enhancer hs2155; plus strand). Cytogenetic location: 14q11.2.
Variant type: single nucleotide variant.
Coding change: c.642+4C>T on transcript NM_002471.4 (MANE Select); 4 bases into the intron after coding-DNA position 642, C replaced by T.
Molecular consequence: intron variant.
Genome position (GRCh38, 1-based): chr14:23,404,707, G>A on the plus strand (C>T on the coding strand, the complement: MYH6 is on the minus strand). VCF-style: chr14-23404707-G-A. GRCh37 (hg19) VCF-style: chr14-23873916-G-A.
Identifiers: ClinVar variation 662880 (VCV000662880.12), dbSNP rs369858520, ClinGen allele CA7116093.

ClinVar aggregate classification (germline): Uncertain significance. Review status: criteria provided, multiple submitters, no conflicts (2 of 4 stars). 5 submissions from 5 submitters: Uncertain significance (5). Last evaluated 2026-03-02.

Conditions:
Hypertrophic cardiomyopathy 14. Identifiers: MedGen C2750467, MONDO:0013197, OMIM 613251.
Cardiovascular phenotype. Identifiers: MedGen CN230736.
Dilated cardiomyopathy 1EE (CMD1EE). Identifiers: Orphanet 154, MedGen C2750466, MONDO:0013198, OMIM 613252.
Hypertrophic cardiomyopathy 1 (CMH1). Also called: Familial hypertrophic cardiomyopathy 1; MYH7-Related Familial Hypertrophic Cardiomyopathy. Identifiers: MedGen C3495498, MONDO:0008647, OMIM 192600.
Atrial septal defect 3 (ASD3). Identifiers: Orphanet 1478, MedGen C3279790, MONDO:0013567, OMIM 614089.
Sick sinus syndrome 3, susceptibility to (SSS3). Identifiers: Orphanet 166282, MedGen C3279791, MONDO:0013568, OMIM 614090.

Allele frequency attached by ClinVar (database versions not stated): gnomAD exomes 0.00001 and 0.00002; ExAC 0.00002; gnomAD 0.00006 and 0.00007; TOPMed 0.00006; ESP Exome Variant Server 0.00008.
gnomAD v4.1: 25 of 1,613,308 alleles (0.0015%); highest among the groups gnomAD compares: African/African-American, 0.025%; no homozygotes.

Submissions (5):

Women's Health and Genetics/Laboratory Corporation of America, LabCorp
Classification: Uncertain significance. Last evaluated: 2026-03-02. Review status: criteria provided, single submitter. Criteria: LabCorp Variant Classification Summary - May 2015. Collection method: clinical testing. Allele origin: germline.

Labcorp Genetics (formerly Invitae), Labcorp
Classification: Uncertain significance for Hypertrophic cardiomyopathy 14. Last evaluated: 2025-09-15. Review status: criteria provided, single submitter. Criteria: Invitae Variant Classification Sherloc (09022015). Collection method: clinical testing. Allele origin: germline.
Comment: This sequence change falls in intron 7 of the MYH6 gene. It does not directly change the encoded amino acid sequence of the MYH6 protein. It affects a nucleotide within the consensus splice site. This variant is present in population databases (rs369858520, gnomAD 0.03%). This variant has not been reported in the literature in individuals affected with MYH6-related conditions. ClinVar contains an entry for this variant (Variation ID: 662880). Variants that disrupt the consensus splice site are a relatively common cause of aberrant splicing (PMID: 17576681, 9536098). Algorithms developed to predict the effect of sequence changes on RNA splicing suggest that this variant is not likely to affect RNA splicing. In summary, the available evidence is currently insufficient to determine the role of this variant in disease. Therefore, it has been classified as a Variant of Uncertain Significance.

Ambry Genetics
Classification: Uncertain significance for Cardiovascular phenotype. Last evaluated: 2023-12-18. Review status: criteria provided, single submitter. Criteria: Ambry Variant Classification Scheme 2023. Collection method: clinical testing. Allele origin: germline.
Comment: The c.642+4C>T intronic variant results from a C to T substitution 4 nucleotides after coding exon 5 in the MYH6 gene. This nucleotide position is well conserved in available vertebrate species. In silico splice site analysis for this alteration is inconclusive. Since supporting evidence is limited at this time, the clinical significance of this alteration remains unclear.

Fulgent Genetics
Classification: Uncertain significance for Hypertrophic cardiomyopathy 1; Hypertrophic cardiomyopathy 14; Dilated cardiomyopathy 1EE; Atrial septal defect 3; Sick sinus syndrome 3, susceptibility to. Last evaluated: 2021-10-13. Review status: criteria provided, single submitter. Criteria: ACMG Guidelines, 2015. Collection method: clinical testing. Allele origin: unknown.

GeneDx
Classification: Uncertain significance. Last evaluated: 2019-07-24. Review status: criteria provided, single submitter. Criteria: GeneDx Variant Classification Process June 2021. Collection method: clinical testing. Allele origin: germline. Affected: yes.
Comment: Has not been previously published as pathogenic or benign to our knowledge; In-silico analysis, which includes splice predictors and evolutionary conservation, is inconclusive as to whether the variant alters gene splicing; in the absence of RNA/functional studies, the actual effect of this sequence change is unknown

Literature cited by the submitters: PubMed 17576681 (cited by Labcorp Genetics (formerly Invitae), Labcorp); PubMed 9536098 (cited by Labcorp Genetics (formerly Invitae), Labcorp).